The following is an entry in ClinVar:

NM_033163.5(FGF8):c.698G>A (p.Arg233His)

Gene: FGF8 (fibroblast growth factor 8; minus strand). Cytogenetic location: 10q24.32.
Variant type: single nucleotide variant.
Coding change: c.698G>A on transcript NM_033163.5 (MANE Select); coding-DNA position 698, G replaced by A.
Protein change: p.Arg233His; replaces arginine 233 with histidine.
Molecular consequence: missense variant.
Genome position (GRCh38, 1-based): chr10:101,770,366, C>T on the plus strand (G>A on the coding strand, the complement: FGF8 is on the minus strand). VCF-style: chr10-101770366-C-T. GRCh37 (hg19) VCF-style: chr10-103530123-C-T.
Other names: c.386G>A, p.Arg129His (NM_001206389.2); c.611G>A, p.Arg204His (NM_006119.6); c.665G>A, p.Arg222His (NM_033164.4); c.578G>A, p.Arg193His (NM_033165.5); short protein forms R193H, R129H, R204H, R222H, R233H.
Identifiers: ClinVar variation 2959534 (VCV002959534.3), dbSNP rs756078879, ClinGen allele CA5657527.

ClinVar aggregate classification (germline): Uncertain significance (1 of 4 stars; one submission).

Allele frequency attached by ClinVar (database versions not stated): gnomAD 0.00001; ExAC 0.00002; gnomAD exomes 0.00003; TOPMed 0.00003.
gnomAD v4.1: 39 of 1,600,142 alleles (0.0024%); highest among the groups gnomAD compares: Non-Finnish European, 0.0031%; no homozygotes.

Submission:

Labcorp Genetics (formerly Invitae), Labcorp
Classification: Uncertain significance. Last evaluated: 2023-10-22. Review status: criteria provided, single submitter. Criteria: Invitae Variant Classification Sherloc (09022015). Collection method: clinical testing. Allele origin: germline.
Comment: This sequence change replaces arginine, which is basic and polar, with histidine, which is basic and polar, at codon 233 of the FGF8 protein (p.Arg233His). The frequency data for this variant in the population databases is considered unreliable, as metrics indicate poor data quality at this position in the gnomAD database. This variant has not been reported in the literature in individuals affected with FGF8-related conditions. An algorithm developed to predict the effect of missense changes on protein structure and function (PolyPhen-2) suggests that this variant is likely to be tolerated. In summary, the available evidence is currently insufficient to determine the role of this variant in disease. Therefore, it has been classified as a Variant of Uncertain Significance.